The following is an entry in ClinVar:

ClinVar aggregate classification (germline): Pathogenic (1 of 4 stars; one submission).

Submission:

Labcorp Genetics (formerly Invitae), Labcorp
Classification: Pathogenic. Last evaluated: 2022-04-29. Review status: criteria provided, single submitter. Criteria: Invitae Variant Classification Sherloc (09022015). Collection method: clinical testing. Allele origin: germline.
Comment: This variant is not present in population databases (gnomAD no frequency). For these reasons, this variant has been classified as Pathogenic. This variant disrupts a region of the ARID1B protein in which other variant(s) (p.Arg2147Lysfs*45) have been determined to be pathogenic (PMID: 23906836). This suggests that this is a clinically significant region of the protein, and that variants that disrupt it are likely to be disease-causing. This variant has not been reported in the literature in individuals affected with ARID1B-related conditions. This sequence change creates a premature translational stop signal (p.Asn2073Thrfs*26) in the ARID1B gene. While this is not anticipated to result in nonsense mediated decay, it is expected to disrupt the last 177 amino acid(s) of the ARID1B protein.

Literature cited by the submitters: PubMed 23906836.

NM_001374828.1(ARID1B):c.6585del (p.Asn2196fs)

Gene: ARID1B (AT-rich interaction domain 1B; plus strand). Cytogenetic location: 6q25.3.
Variant type: Deletion.
Coding change: c.6585del on transcript NM_001374828.1 (MANE Select); coding-DNA position 6585, one base deleted (C; older notation c.6585delC).
Protein change: p.Asn2196fs; shifts the reading frame from asparagine 2196.
Molecular consequence: frameshift variant.
Genome position (GRCh38, 1-based): chr6:157,207,357, C deleted; the last of 3 consecutive C bases (chr6:157,207,355-157,207,357); deleting any one gives the same sequence. VCF-style (leftmost placement, unchanged base first): chr6-157207354-AC-A. GRCh37 (hg19) VCF-style: chr6-157528488-AC-A.
Other names: c.6336delC, p.Asn2113Thrfs (NM_001346813.1); c.4086del, p.Asn1363fs (NM_001363725.2); c.6465del, p.Asn2156fs (NM_001371656.1, NM_001374820.1); c.6426del, p.Asn2143fs (NM_017519.3); c.6216delC, p.Asn2073Thrfs (NM_020732.3); c.6003delC, p.Asn2002Thrfs (NM_175863.2); short protein forms N2156fs, N2196fs, N1363fs, N2143fs.
Identifiers: ClinVar variation 2131236 (VCV002131236.4), dbSNP rs2538785984, ClinGen allele CA2580075276.